The following is an entry in ClinVar:

NM_018897.3(DNAH7):c.10030C>T (p.Arg3344Cys)

Gene: DNAH7 (dynein axonemal heavy chain 7; minus strand). Cytogenetic location: 2q32.3.
Variant type: single nucleotide variant.
Coding change: c.10030C>T on transcript NM_018897.3 (MANE Select); coding-DNA position 10030, C replaced by T.
Protein change: p.Arg3344Cys; replaces arginine 3344 with cysteine.
Molecular consequence: missense variant.
Genome position (GRCh38, 1-based): chr2:195,808,735, G>A on the plus strand (C>T on the coding strand, the complement: DNAH7 is on the minus strand). VCF-style: chr2-195808735-G-A. GRCh37 (hg19) VCF-style: chr2-196673459-G-A.
Other names: short protein forms R3344C.
Identifiers: ClinVar variation 4985406 (VCV004985406.1).
Genomic context (GRCh38, chr2:195,808,735, plus strand): 5'-AACATACCAAACTATCATATACTTTCTTCCATCCATCCTTTAAGCGCATAAACTCTCTAC[G>A]AATGGTTTTGAAGGCAGGCAAATCATCTAATCGACATATTTCATCCCAGGATTTCTGAGG-3'
Protein context (NP_061720.2, residues 3334-3354): LDDLPAFKTI[Arg3344Cys]REFMRLKDGW

ClinVar aggregate classification (germline): Uncertain significance (1 of 4 stars; one submission).

Conditions:
DNAH7-related disorder. Also called: DNAH7-related condition.

gnomAD v4.1: 20 of 1,613,904 alleles (0.0012%); highest among the groups gnomAD compares: South Asian, 0.0055%; no homozygotes.

Submission:

PreventionGenetics, part of Exact Sciences
Classification: Uncertain significance for DNAH7-related condition. Last evaluated: 2025-06-19. Review status: criteria provided, single submitter. Criteria: ACMG Guidelines, 2015. Collection method: clinical testing. Allele origin: germline.
Comment: The DNAH7 c.10030C>T variant is predicted to result in the amino acid substitution p.Arg3344Cys. To our knowledge, this variant has not been reported in the literature. This variant is reported in 0.0033% of alleles in individuals of South Asian descent in gnomAD. At this time, the clinical significance of this variant is uncertain due to the absence of conclusive functional and genetic evidence.